The following is an entry in ClinVar:

ClinVar aggregate classification (germline): Uncertain significance (1 of 4 stars; one submission).

Conditions:
Neuroferritinopathy (NBIA3). Also called: NEURODEGENERATION WITH BRAIN IRON ACCUMULATION 3; BASAL GANGLIA DISEASE, ADULT-ONSET. Identifiers: Orphanet 157846, MedGen C1853578, MONDO:0011638, OMIM 606159.

Submission:

Victorian Clinical Genetics Services, Murdoch Childrens Research Institute
Classification: Uncertain significance for Neuroferritinopathy. Last evaluated: 2025-06-05. Review status: criteria provided, single submitter. Criteria: ACMG Guidelines, 2015. Collection method: clinical testing. Allele origin: germline. Affected: yes.
Comment: This variant is classified as VUS-3C. Evidence in support of pathogenic classification: Variant is predicted to result in an elongated protein; Variant is present in gnomAD <0.001 for a dominant condition (v4: 60 heterozygote(s), 0 homozygote(s)). Additional information: This variant is heterozygous; This gene is associated with autosomal dominant disease; Previous evidence of pathogenicity for this variant is inconclusive. This variant has been reported in the literature in an individual with haemochromatosis with no other clinical features suggestive of a neuroferritinopathy (PMID: 27753142); No published segregation evidence has been identified for this variant; No published functional evidence has been identified for this variant; No comparable protein extension variants have previous evidence for pathogenicity; Variant is not located in an established domain, motif, hotspot or informative constraint region; Loss of function and gain of function are known mechanisms of disease in this gene. Gain of function variants associated with hyperferritinaemia-cataract syndrome (MIM#600886) are located in the 5'UTR and disrupt the iron responsive element regulatory motif causing loss of regulatory function and overexpression of L-ferritin (PMIDs: 7493028; 20301320). L-ferritin deficiency (MIM#615604) is associated with loss of function NMD-predicted variants that lead to decreased L-ferritin expression (PMID: 20301320). Neurodegeneration with brain iron accumulation 3 (MIM#606159) is caused by extension variants that are predicted to lose the protein's ability to store iron, leading to an excessive release of toxic iron within neurons (PMID: 20301320); Inheritance information for this variant is not currently available in this individual.

Literature cited by the submitters: PubMed 20301320; PubMed 27753142; PubMed 7493028.

NM_000146.4(FTL):c.520del (p.His174fs)

Gene: FTL (ferritin light chain; plus strand). Cytogenetic location: 19q13.33.
Variant type: Deletion.
Coding change: c.520del on transcript NM_000146.4 (MANE Select); coding-DNA position 520, one base deleted (C; older notation c.520delC).
Protein change: p.His174fs; shifts the reading frame from histidine 174.
Molecular consequence: frameshift variant.
Genome position (GRCh38, 1-based): chr19:48,966,727, C deleted. VCF-style (leftmost placement, unchanged base first): chr19-48966726-GC-G. GRCh37 (hg19) VCF-style: chr19-49469983-GC-G.
Other names: short protein forms H174fs.
Identifiers: ClinVar variation 4531731 (VCV004531731.1).